The following is an entry in ClinVar:

ClinVar aggregate classification (germline): Uncertain significance. Review status: criteria provided, multiple submitters, no conflicts (2 of 4 stars). 4 submissions from 4 submitters: Uncertain significance (4). Last evaluated 2023-01-09.

Conditions:
Cystic fibrosis (CF). Also called: MUCOVISCIDOSIS. Identifiers: Orphanet 586, MedGen C0010674, MONDO:0009061, OMIM 219700. Disease mechanism: loss of function.

Allele frequency attached by ClinVar (database versions not stated): 1000 Genomes Project 30x 0.00016; TOPMed 0.00001; 1000 Genomes Project 0.00020.
gnomAD v4.1: 2 of 1,613,920 alleles (0.00012%); highest among the groups gnomAD compares: African/African-American, 0.0027%; no homozygotes.

Submissions (4):

Women's Health and Genetics/Laboratory Corporation of America, LabCorp
Classification: Uncertain significance. Last evaluated: 2023-01-09. Review status: criteria provided, single submitter. Criteria: LabCorp Variant Classification Summary - May 2015. Collection method: clinical testing. Allele origin: germline.

Labcorp Genetics (formerly Invitae), Labcorp
Classification: Uncertain significance for Cystic fibrosis. Last evaluated: 2022-03-26. Review status: criteria provided, single submitter. Criteria: Invitae Variant Classification Sherloc (09022015). Collection method: clinical testing. Allele origin: germline.
Comment: This sequence change replaces alanine, which is neutral and non-polar, with glycine, which is neutral and non-polar, at codon 1374 of the CFTR protein (p.Ala1374Gly). This variant is not present in population databases (gnomAD no frequency). This variant has not been reported in the literature in individuals affected with CFTR-related conditions. ClinVar contains an entry for this variant (Variation ID: 496886). Algorithms developed to predict the effect of missense changes on protein structure and function (SIFT, PolyPhen-2, Align-GVGD) all suggest that this variant is likely to be disruptive. In summary, the available evidence is currently insufficient to determine the role of this variant in disease. Therefore, it has been classified as a Variant of Uncertain Significance.

Ambry Genetics
Classification: Uncertain significance for Cystic fibrosis. Last evaluated: 2021-05-21. Review status: criteria provided, single submitter. Criteria: Ambry Variant Classification Scheme 2023. Collection method: clinical testing. Allele origin: germline.
Comment: The p.A1374G variant (also known as c.4121C>G), located in coding exon 25 of the CFTR gene, results from a C to G substitution at nucleotide position 4121. The alanine at codon 1374 is replaced by glycine, an amino acid with similar properties. This amino acid position is highly conserved in available vertebrate species. In addition, this alteration is predicted to be deleterious by in silico analysis. Since supporting evidence is limited at this time, the clinical significance of this variant remains unclear.

Eurofins Ntd Llc (ga)
Classification: Uncertain significance. Last evaluated: 2017-02-17. Review status: criteria provided, single submitter. Criteria: EGL Classification Definitions 2015. Collection method: clinical testing. Allele origin: germline. Observed: 2 variant alleles, 2 heterozygotes.

NM_000492.4(CFTR):c.4121C>G (p.Ala1374Gly)

Gene: CFTR (CF transmembrane conductance regulator; plus strand). Cytogenetic location: 7q31.2.
Variant type: single nucleotide variant.
Coding change: c.4121C>G on transcript NM_000492.4 (MANE Select); coding-DNA position 4121, C replaced by G.
Protein change: p.Ala1374Gly; replaces alanine 1374 with glycine.
Molecular consequence: missense variant.
Genome position (GRCh38, 1-based): chr7:117,664,845, C>G. VCF-style: chr7-117664845-C-G. GRCh37 (hg19) VCF-style: chr7-117304899-C-G.
Other names: short protein forms A1374G.
Identifiers: ClinVar variation 496886 (VCV000496886.12), dbSNP rs115147093, ClinGen allele CA164960299.
Genomic context (GRCh38, chr7:117,664,845, plus strand): 5'-TGTGCTTGGCTAGATCTGTTCTCAGTAAGGCGAAGATCTTGCTGCTTGATGAACCCAGTG[C>G]TCATTTGGATCCAGTGTGAGTTTCAGATGTTCTGTTACTTAATAGCACAGTGGGAACAGA-3'
Protein context (NP_000483.3, residues 1364-1384): AKILLLDEPS[Ala1374Gly]HLDPVTYQII